The following is an entry in ClinVar:

NM_004184.4(WARS1):c.463C>T (p.Pro155Ser)

Gene: WARS1 (tryptophanyl-tRNA synthetase 1; minus strand). Cytogenetic location: 14q32.2.
Variant type: single nucleotide variant.
Coding change: c.463C>T on transcript NM_004184.4 (MANE Select); coding-DNA position 463, C replaced by T.
Protein change: p.Pro155Ser; replaces proline 155 with serine.
Molecular consequence: missense variant.
Genome position (GRCh38, 1-based): chr14:100,354,526, G>A on the plus strand (C>T on the coding strand, the complement: WARS1 is on the minus strand). VCF-style: chr14-100354526-G-A. GRCh37 (hg19) VCF-style: chr14-100820863-G-A.
Other names: c.463C>T, p.Pro155Ser (NM_173701.2); c.340C>T, p.Pro114Ser (NM_213645.2, NM_213646.2); short protein forms P114S, P155S.
Identifiers: ClinVar variation 4979287 (VCV004979287.1).

ClinVar aggregate classification (germline): Uncertain significance (1 of 4 stars; one submission).

Conditions:
WARS1-related disorder. Also called: WARS1-related condition.

gnomAD v4.1: 22 of 1,613,648 alleles (0.0014%); highest among the groups gnomAD compares: African/African-American, 0.028%; no homozygotes.

Submission:

PreventionGenetics, part of Exact Sciences
Classification: Uncertain significance for WARS1-related condition. Last evaluated: 2026-05-22. Review status: criteria provided, single submitter. Criteria: ACMG Guidelines, 2015. Collection method: clinical testing. Allele origin: germline.
Comment: The WARS1 c.463C>T variant is predicted to result in the amino acid substitution p.Pro155Ser. To our knowledge, this variant has not been reported in the literature. This variant is reported in 0.040% of alleles in individuals of African descent in gnomAD. At this time, the clinical significance of this variant is uncertain due to the absence of conclusive functional and genetic evidence.